The following is an entry in ClinVar:

GRCh38/hg38 3q26.31-26.32(chr3:175364178-176004539)x1

Genes: MIR4789 (microRNA 4789; plus strand), NAALADL2 (N-acetylated alpha-linked acidic dipeptidase like 2; plus strand), NAALADL2-AS1 (NAALADL2 antisense RNA 1; minus strand), LOC132088905 (Neanderthal introgressed variant-containing enhancer experimental_66754; plus strand). Cytogenetic location: 3q26.31-26.32.
Variant type: copy number loss.
Change: copy number 1 (one copy instead of two) of chr3:175,364,178-176,004,539 (640.4 kb, GRCh38 coordinates, 1-based), cytogenetic band 3q26.31-26.32.
Identifiers: ClinVar variation 4974742 (VCV004974742.1).

ClinVar aggregate classification (germline): Uncertain significance (1 of 4 stars; one submission).

Submission:

Clinical Genomics Laboratory, Laboratory for Precision Diagnostics, University of Washington
Classification: Uncertain significance. Last evaluated: 2024-06-13. Review status: criteria provided, single submitter. Criteria: ACMG/ClinGen CNV Guidelines, 2019. Collection method: clinical testing. Allele origin: unknown. Affected: yes. Observed: 1 variant allele.
Comment: This interstitial deletion is approximately 640 kb in size and removes exons 6-14 of NAALADL2 (NM_207015.3 OMIM 608806). This gene is not known to, nor is it predicted to, cause medical problems in humans when one copy is deleted (haploinsufficiency), and this is not a known haploinsufficient genomic region. A review of public databases (ClinVar, DECIPHER) and the medical literature shows a few patients with a similar deletion, but inheritance and clinical features are unknown for most of them. PMID: 38755281 identified a mosaic (21%) inversion disrupting NAALADL2 in a person with moderate intellectual disability and delayed motor and speech development. PMID: 22106001 found a 2.2 Mb deletion at 3q26.3-3q26.32 that removed part of NLGN1 and the entirety of NAALADL2 in a person with microcephaly, a seizure disorder, and severe intellectual disability. Deletions similar to the one found in this fetus appear at low frequency in both the Database of Genomic Variants (gssvL85536) and gnomAD (DEL_CHR3_2E7D1704).

Literature cited by the submitters: PubMed 22106001; PubMed 38755281.